The following is an entry in ClinVar:

ClinVar aggregate classification (germline): Pathogenic (1 of 4 stars; one submission).

Conditions:
Hereditary cancer-predisposing syndrome. Also called: Hereditary Cancer Syndrome; Tumor predisposition; Hereditary neoplastic syndrome; Neoplastic Syndromes, Hereditary. Identifiers: Orphanet 140162, MedGen C0027672, MeSH D009386, MONDO:0015356.

Submission:

Ambry Genetics
Classification: Pathogenic for Hereditary cancer-predisposing syndrome. Last evaluated: 2024-05-30. Review status: criteria provided, single submitter. Criteria: Ambry Variant Classification Scheme 2023. Collection method: clinical testing. Allele origin: germline.
Comment: The c.4132delG pathogenic mutation, located in coding exon 10 of the BRCA1 gene, results from a deletion of one nucleotide at nucleotide position 4132, causing a translational frameshift with a predicted alternate stop codon (p.V1378Sfs*15). This variant is considered to be rare based on population cohorts in the Genome Aggregation Database (gnomAD). This alteration is expected to result in loss of function by premature protein truncation or nonsense-mediated mRNA decay. As such, this alteration is interpreted as a disease-causing mutation.

NM_007294.4(BRCA1):c.4132del (p.Val1378fs)

Gene: BRCA1 (BRCA1 DNA repair associated; minus strand). Cytogenetic location: 17q21.31.
Variant type: Deletion.
Coding change: c.4132del on transcript NM_007294.4 (MANE Select); coding-DNA position 4132, one base deleted (G; older notation c.4132delG).
Protein change: p.Val1378fs; shifts the reading frame from valine 1378.
Molecular consequence: frameshift variant.
Genome position (GRCh38, 1-based): chr17:43,090,997, C deleted on the plus strand (G on the coding strand, the reverse complement: BRCA1 is on the minus strand). VCF-style (leftmost placement, unchanged base first): chr17-43090996-AC-A. GRCh37 (hg19) VCF-style: chr17-41243013-AC-A.
Other names: c.823del, p.Val275fs (NM_007299.4, NM_001408472.1, NM_007298.4 and 17 more transcripts); c.700del, p.Val234fs (NM_001408442.1, NM_001408443.1, NM_001408444.1 and 12 more transcripts); c.4132del, p.Val1378fs (NM_007300.4, NM_001407593.1, NM_001407594.1 and 30 more transcripts); c.4129del, p.Val1377fs (NM_001407590.1, NM_001407591.1, NM_001407610.1 and 22 more transcripts); c.4123del, p.Val1375fs (NM_001407646.1, NM_001407647.1); c.4009del, p.Val1337fs (NM_001407648.1, NM_001407664.1, NM_001407665.1 and 19 more transcripts); c.3919del, p.Val1307fs (NM_001407571.1, NM_001407853.1, NM_001407894.1 and 9 more transcripts); c.697del, p.Val233fs (NM_001408445.1, NM_001408446.1, NM_001408447.1 and 6 more transcripts); and 41 more; short protein forms V107fs, V1082fs, V1308fs, V1352fs, V227fs, V235fs, V236fs, V248fs.
Identifiers: ClinVar variation 3261485 (VCV003261485.1).